The following is an entry in ClinVar:

NM_002340.6(LSS):c.74G>T (p.Trp25Leu)

Genes: LSS (lanosterol synthase; minus strand), LOC130066868 (ATAC-STARR-seq lymphoblastoid silent region 13413; plus strand). Cytogenetic location: 21q22.3.
Variant type: single nucleotide variant.
Coding change: c.74G>T on transcript NM_002340.6 (MANE Select); coding-DNA position 74, G replaced by T.
Protein change: p.Trp25Leu; replaces tryptophan 25 with leucine.
Molecular consequence: missense variant. On other transcripts: 5 prime UTR variant (1).
Genome position (GRCh38, 1-based): chr21:46,228,540, C>A on the plus strand (G>T on the coding strand, the complement: LSS is on the minus strand). VCF-style: chr21-46228540-C-A. GRCh37 (hg19) VCF-style: chr21-47648454-C-A.
Other names: c.74G>T, p.Trp25Leu (NM_001001438.3, NM_001145436.2); c.-167G>T (NM_001145437.2); short protein forms W25L.
Identifiers: ClinVar variation 2834841 (VCV002834841.3), dbSNP rs2517262872, ClinGen allele CA410529547.

ClinVar aggregate classification (germline): Uncertain significance (1 of 4 stars; one submission).

Submission:

Labcorp Genetics (formerly Invitae), Labcorp
Classification: Uncertain significance. Last evaluated: 2023-02-05. Review status: criteria provided, single submitter. Criteria: Invitae Variant Classification Sherloc (09022015). Collection method: clinical testing. Allele origin: germline.
Comment: In summary, the available evidence is currently insufficient to determine the role of this variant in disease. Therefore, it has been classified as a Variant of Uncertain Significance. Algorithms developed to predict the effect of missense changes on protein structure and function are either unavailable or do not agree on the potential impact of this missense change (SIFT: "Deleterious"; PolyPhen-2: "Probably Damaging"; Align-GVGD: "Class C0"). This variant has not been reported in the literature in individuals affected with LSS-related conditions. This variant is not present in population databases (gnomAD no frequency). This sequence change replaces tryptophan, which is neutral and slightly polar, with leucine, which is neutral and non-polar, at codon 25 of the LSS protein (p.Trp25Leu).